The following is an entry in ClinVar:

ClinVar aggregate classification (germline): Pathogenic (1 of 4 stars; one submission).

gnomAD v4.1: 1 of 1,612,514 alleles (0.000062%); highest among the groups gnomAD compares: African/African-American, 0.0013%; no homozygotes.

Submission:

Labcorp Genetics (formerly Invitae), Labcorp
Classification: Pathogenic. Last evaluated: 2025-12-25. Review status: criteria provided, single submitter. Criteria: Invitae Variant Classification Sherloc (09022015). Collection method: clinical testing. Allele origin: germline.
Comment: This sequence change creates a premature translational stop signal (p.Gln452*) in the PMPCA gene. It is expected to result in an absent or disrupted protein product. Loss-of-function variants in PMPCA are known to be pathogenic (PMID: 35885985). This variant is not present in population databases (gnomAD no frequency). This variant has not been reported in the literature in individuals affected with PMPCA-related conditions. Algorithms developed to predict the effect of sequence changes on RNA splicing suggest that this variant may disrupt the consensus splice site. For these reasons, this variant has been classified as Pathogenic.

Literature cited by the submitters: PubMed 35885985.

NM_015160.3(PMPCA):c.1354C>T (p.Gln452Ter)

Gene: PMPCA (peptidase, mitochondrial processing subunit alpha; plus strand). Cytogenetic location: 9q34.3.
Variant type: single nucleotide variant.
Coding change: c.1354C>T on transcript NM_015160.3 (MANE Select); coding-DNA position 1354, C replaced by T.
Protein change: p.Gln452Ter; replaces glutamine 452 with a stop codon.
Molecular consequence: nonsense.
Genome position (GRCh38, 1-based): chr9:136,421,922, C>T. VCF-style: chr9-136421922-C-T. GRCh37 (hg19) VCF-style: chr9-139316374-C-T.
Other names: c.961C>T, p.Gln321Ter (NM_001282944.2); c.1054C>T, p.Gln352Ter (NM_001282946.2); short protein forms Q352*, Q321*, Q452*.
Identifiers: ClinVar variation 4733644 (VCV004733644.1).
Genomic context (GRCh38, chr9:136,421,922, plus strand): 5'-ACATCAATGCTCATGATGAACCTGGAATCCAGGCCTGTGATCTTCGAGGATGTGGGGAGG[C>T]AGGTGCTGGCCACTCGCTCCAGAAAGCTGCCGCACGAGCTGTGCACGCTCATCCGTGAGT-3'